The following is an entry in ClinVar:

ClinVar aggregate classification (germline): Likely benign (1 of 4 stars; one submission).

Allele frequency attached by ClinVar (database versions not stated): 1000 Genomes Project 0.00439; gnomAD 0.00470 and 0.00505; 1000 Genomes Project 30x 0.00484; TOPMed 0.00536.

Submission:

GeneDx
Classification: Likely benign. Last evaluated: 2018-06-19. Review status: criteria provided, single submitter. Criteria: GeneDx Variant Classification (06012015). Collection method: clinical testing. Allele origin: germline. Affected: yes.
Comment: This variant is considered likely benign or benign based on one or more of the following criteria: it is a conservative change, it occurs at a poorly conserved position in the protein, it is predicted to be benign by multiple in silico algorithms, and/or has population frequency not consistent with disease.

NM_000257.4(MYH7):c.999+60G>T

Gene: MYH7 (myosin heavy chain 7; minus strand). Cytogenetic location: 14q11.2.
Variant type: single nucleotide variant.
Coding change: c.999+60G>T on transcript NM_000257.4 (MANE Select); 60 bases into the intron after coding-DNA position 999, G replaced by T.
Molecular consequence: intron variant.
Genome position (GRCh38, 1-based): chr14:23,430,500, C>A on the plus strand (G>T on the coding strand, the complement: MYH7 is on the minus strand). VCF-style: chr14-23430500-C-A. GRCh37 (hg19) VCF-style: chr14-23899709-C-A.
Identifiers: ClinVar variation 675323 (VCV000675323.1), dbSNP rs182035869, ClinGen allele CA257825287.
Genomic context (GRCh38, chr14:23,430,500, plus strand): 5'-CTCAGGAGGTCCATACCACTTTAAACAACCAATGGCCAGCGTCTTAGCTCTGCTTTTGGA[C>A]CCCTGTTTGCCCCTCACTGCCAATCCTCCCACCCCCTGGCTGGGTCCTCACACACTCACA-3'